The following is an entry in ClinVar:

ClinVar aggregate classification (germline): Pathogenic/Likely pathogenic. Review status: criteria provided, multiple submitters, no conflicts (2 of 4 stars). 14 submissions from 13 submitters: Pathogenic (7); Likely pathogenic (1). 6 of the submissions do not count toward it. Last evaluated 2026-08-14.

Conditions:
Retinitis pigmentosa (RP). Identifiers: Orphanet 791, MedGen C0035334, MeSH D012174, MONDO:0019200, OMIM 268000. Inheritance: Autosomal dominant, autosomal recessive and X linked inheritance.
Retinitis pigmentosa 28 (RP28). Identifiers: Orphanet 791, MedGen C1419614, MONDO:0011630, OMIM 606068.
Retinal dystrophy. Also called: Inherited retinal dystrophy. Identifiers: Orphanet 71862, MedGen C0854723, MeSH D058499, MONDO:0019118, HP:0000556.
FAM161A-related disorder. Also called: FAM161A-related condition.

Allele frequency attached by ClinVar (database versions not stated): ExAC 0.00003; gnomAD 0.00004; TOPMed 0.00005; gnomAD exomes 0.00006 and 0.00008.

Submissions (14):

PreventionGenetics, part of Exact Sciences
Classification: Pathogenic for FAM161A-related condition. Last evaluated: 2026-08-14. Review status: criteria provided, single submitter. Criteria: ACMG Guidelines, 2015. Collection method: clinical testing. Allele origin: germline.
Comment: The FAM161A c.1501delT variant is predicted to result in a frameshift and premature protein termination (p.Cys501Valfs*4). This variant has been reported in the homozygous and compound heterozygous state in individuals with retinitis pigmentosa (for example, Table S1, Glöckle et al 2014. PubMed ID: 23591405; Wang et al. 2014. PubMed ID: 25097241; Table S1, Weisschuh et al. 2020. PubMed ID: 32531858). This variant is reported in 0.013% of alleles in individuals of European (Non-Finnish) descent in gnomAD. Frameshift variants in FAM161A are expected to be pathogenic, and this variant has been classified as pathogenic by multiple independent submitters to the ClinVar database (Variation ID: 552429). Given the evidence, we interpret this variant as pathogenic.

Labcorp Genetics (formerly Invitae), Labcorp
Classification: Pathogenic. Last evaluated: 2026-01-01. Review status: criteria provided, single submitter. Criteria: Invitae Variant Classification Sherloc (09022015). Collection method: clinical testing. Allele origin: germline.
Comment: This sequence change creates a premature translational stop signal (p.Cys501Valfs*4) in the FAM161A gene. It is expected to result in an absent or disrupted protein product. Loss-of-function variants in FAM161A are known to be pathogenic (PMID: 20705278, 20705279, 24651477). This variant is present in population databases (rs767414973, gnomAD 0.02%). This premature translational stop signal has been observed in individuals with retinitis pigmentosa or a retinal dystrophy (PMID: 23591405, 25097241, 26574802). ClinVar contains an entry for this variant (Variation ID: 552429). For these reasons, this variant has been classified as Pathogenic.

Natera, Inc.
Classification: Pathogenic for Retinitis pigmentosa type 28. Last evaluated: 2025-11-26. Review status: criteria provided, single submitter. Criteria: Natera Variant Classification Schema (03/2026). Collection method: clinical testing. Allele origin: germline.
Comment: The c.1501delT variant in FAM161A is a frameshift variant predicted to shift the reading frame beginning at codon 501 and leads to a stop codon 4 codons downstream. This variant is expected to result in nonsense mediated decay, truncation, or a dysfunctional protein product. This variant is rare in the general population with a frequency below the threshold expected for the associated phenotype(s). This variant has been observed in one or more individuals affected with the associated recessive disease, as either homozygous or compound heterozygous with a second variant (PMID: 26574802, 25097241, 23591405). Given the available evidence, this variant is classified as Pathogenic.

Blueprint Genetics
Classification: Pathogenic for FAM161A-related disorders. Last evaluated: 2022-09-06. Review status: criteria provided, single submitter. Criteria: ACMG Guidelines, 2015. Collection method: clinical testing. Allele origin: germline. Affected: yes. Observed: 5 variant alleles.

Revvity Omics, Revvity
Classification: Likely pathogenic for Retinitis pigmentosa 28. Last evaluated: 2022-03-30. Review status: criteria provided, single submitter. Criteria: ACMG Guidelines, 2015. Collection method: clinical testing. Allele origin: germline.

Institute of Human Genetics, Univ. Regensburg, Univ. Regensburg
Classification: Pathogenic for Retinal dystrophy. Last evaluated: 2021-01-01. Review status: criteria provided, single submitter. Criteria: ACMG Guidelines, 2015. Collection method: clinical testing. Allele origin: germline. Affected: yes.

Eurofins Ntd Llc (ga)
Classification: Pathogenic. Last evaluated: 2018-04-25. Review status: criteria provided, single submitter. Criteria: EGL ClinVar v180209 classification definitions. Collection method: clinical testing. Allele origin: germline. Observed: 1 variant allele, 1 heterozygote.

CeGaT Center for Human Genetics Tuebingen
Classification: Pathogenic. Last evaluated: 2017-05-01. Review status: criteria provided, single submitter. Criteria: CeGaT Center For Human Genetics Tuebingen Variant Classification Criteria Version 2. Collection method: clinical testing. Allele origin: germline. Affected: yes. Observed: 1 variant allele.

Department of Clinical Genetics, Copenhagen University Hospital, Rigshospitalet
Classification: Likely pathogenic for Retinitis pigmentosa. Last evaluated: 2018-04-01. Review status: no assertion criteria provided. Collection method: research. Allele origin: unknown. Affected: yes. Study: VeluxRD. Not counted in ClinVar's aggregate classification.

Counsyl
Classification: Pathogenic for Retinitis pigmentosa 28. Last evaluated: 2017-06-19. Review status: no assertion criteria provided. Collection method: clinical testing. Allele origin: unknown. Not counted in ClinVar's aggregate classification.

Joint Genome Diagnostic Labs from Nijmegen and Maastricht, Radboudumc and MUMC+
Classification: Pathogenic for Retinitis pigmentosa 28. Last evaluated: 2016-09-01. Review status: no assertion criteria provided. Collection method: clinical testing. Allele origin: inherited. Affected: yes. Observed: 1 variant allele. Not counted in ClinVar's aggregate classification.

Clinical Genetics DNA and cytogenetics Diagnostics Lab, Erasmus MC, Erasmus Medical Center
Classification: Pathogenic. Review status: no assertion criteria provided. Collection method: clinical testing. Allele origin: germline. Affected: yes. Study: VKGL Data-share Consensus. Not counted in ClinVar's aggregate classification.

Clinical Genetics, Academic Medical Center
Classification: Pathogenic. Review status: no assertion criteria provided. Collection method: clinical testing. Allele origin: germline. Affected: yes. Study: VKGL Data-share Consensus. Not counted in ClinVar's aggregate classification.

Joint Genome Diagnostic Labs from Nijmegen and Maastricht, Radboudumc and MUMC+
Classification: Pathogenic. Review status: no assertion criteria provided. Collection method: clinical testing. Allele origin: germline. Affected: yes. Study: VKGL Data-share Consensus. Not counted in ClinVar's aggregate classification.

Literature cited by the submitters: PubMed 20705278 (cited by Labcorp Genetics (formerly Invitae), Labcorp); PubMed 20705279 (cited by Labcorp Genetics (formerly Invitae), Labcorp); PubMed 24651477 (cited by Labcorp Genetics (formerly Invitae), Labcorp); PubMed 23591405 (cited by 4 submitters); PubMed 25097241 (cited by 4 submitters); PubMed 26574802 (cited by 3 submitters); PubMed 31964843 (cited by Institute of Human Genetics, Univ. Regensburg, Univ. Regensburg); PubMed 32531858 (cited by Institute of Human Genetics, Univ. Regensburg, Univ. Regensburg); PubMed 36819107 (cited by Institute of Human Genetics, Univ. Regensburg, Univ. Regensburg); PubMed 30718709 (cited by Department of Clinical Genetics, Copenhagen University Hospital, Rigshospitalet).

NM_001201543.2(FAM161A):c.1501del (p.Cys501fs)

Gene: FAM161A (FAM161 centrosomal protein A; minus strand). Cytogenetic location: 2p15.
Variant type: Deletion.
Coding change: c.1501del on transcript NM_001201543.2 (MANE Select); coding-DNA position 1501, one base deleted (T; older notation c.1501delT).
Protein change: p.Cys501fs; shifts the reading frame from cysteine 501.
Molecular consequence: frameshift variant. On other transcripts: non-coding transcript variant (1).
Genome position (GRCh38, 1-based): chr2:61,839,503, A deleted on the plus strand (T on the coding strand, the reverse complement: FAM161A is on the minus strand). VCF-style (leftmost placement, unchanged base first): chr2-61839502-CA-C. GRCh37 (hg19) VCF-style: chr2-62066637-CA-C.
Other names: c.1501del, p.Cys501fs (NM_032180.3); short protein forms C501fs.
Identifiers: ClinVar variation 552429 (VCV000552429.71), dbSNP rs767414973, ClinGen allele CA1679137.
Genomic context (GRCh38, chr2:61,839,502, plus strand): 5'-CTGGAAGATACCGTGGGCACGGGAGGGTTGCAGTTACAAGGCACAGGGTTTACACCTGCA[CA>C]TCTTACTGGTGACTTACGCCTTGGAGACAAATAAGGCCAACGTGTTTCTTTTAAATTTTC-3'